The following is an entry in ClinVar:

NM_015922.3(NSDHL):c.963G>C (p.Gln321His)

Gene: NSDHL (NAD(P) dependent 3-beta-hydroxysteroid dehydrogenase NSDHL; plus strand). Cytogenetic location: Xq28.
Variant type: single nucleotide variant.
Coding change: c.963G>C on transcript NM_015922.3 (MANE Select); coding-DNA position 963, G replaced by C.
Protein change: p.Gln321His; replaces glutamine 321 with histidine.
Molecular consequence: missense variant.
Genome position (GRCh38, 1-based): chrX:152,868,957, G>C. VCF-style: chrX-152868957-G-C. GRCh37 (hg19) VCF-style: chrX-152037501-G-C.
Other names: c.963G>C, p.Gln321His (NM_001129765.2); short protein forms Q321H.
Identifiers: ClinVar variation 1303416 (VCV001303416.2), dbSNP rs1933659994, ClinGen allele CA415287394.

ClinVar aggregate classification (germline): Uncertain significance (1 of 4 stars; one submission).

Allele frequency attached by ClinVar (database versions not stated): gnomAD exomes below 0.00001; gnomAD 0.00001.
gnomAD v4.1: 5 of 1,210,549 alleles (0.00041%); highest among the groups gnomAD compares: Middle Eastern, 0.069%; no homozygotes.

Submission:

GeneDx
Classification: Uncertain significance. Last evaluated: 2019-05-01. Review status: criteria provided, single submitter. Criteria: GeneDx Variant Classification Process June 2021. Collection method: clinical testing. Allele origin: germline. Affected: yes.
Comment: Not observed in large population cohorts (Lek et al., 2016); Has not been previously published as pathogenic or benign to our knowledge